The following is an entry in ClinVar:

ClinVar aggregate classification (germline): Uncertain significance (1 of 4 stars; one submission).

gnomAD v4.1: 13 of 1,611,654 alleles (0.00081%); highest among the groups gnomAD compares: Non-Finnish European, 0.00093%; no homozygotes.

Submission:

GeneDx
Classification: Uncertain significance. Last evaluated: 2022-07-01. Review status: criteria provided, single submitter. Criteria: GeneDx Variant Classification Process June 2021. Collection method: clinical testing. Allele origin: germline. Affected: yes.
Comment: Nonsense variant predicted to result in protein truncation as the last four amino acids are lost, although loss-of-function variants have not been reported downstream of this position in the protein; Not observed at significant frequency in large population cohorts (gnomAD); Has not been previously published as pathogenic or benign to our knowledge

NM_003672.4(CDC14A):c.1773T>A (p.Tyr591Ter)

Gene: CDC14A (cell division cycle 14A; plus strand). Cytogenetic location: 1p21.2.
Variant type: single nucleotide variant.
Coding change: c.1773T>A on transcript NM_003672.4 (MANE Select); coding-DNA position 1773, T replaced by A.
Protein change: p.Tyr591Ter; replaces tyrosine 591 with a stop codon.
Molecular consequence: nonsense. On other transcripts: 3 prime UTR variant (1).
Genome position (GRCh38, 1-based): chr1:100,518,268, T>A. VCF-style: chr1-100518268-T-A. GRCh37 (hg19) VCF-style: chr1-100983824-T-A.
Other names: c.*64T>A (NM_001319210.2); short protein forms Y591*.
Identifiers: ClinVar variation 1810111 (VCV001810111.1), dbSNP rs756435795, ClinGen allele CA341359497.
Genomic context (GRCh38, chr1:100,518,268, plus strand): 5'-ATGTGATGGAATTTAACCTCAGTTTATGTCTCTCCCTGCACAGTCCCTTCAGTCTGAATA[T>A]GTTCATTACTAAGGCCTTGCCACTCCAGTGAAAGCTGTTCTTCTCTTAGACACAATTTCT-3'